The following is an entry in ClinVar:

ClinVar aggregate classification (germline): Uncertain significance (1 of 4 stars; one submission).

Submission:

GeneDx
Classification: Uncertain significance. Last evaluated: 2024-06-24. Review status: criteria provided, single submitter. Criteria: GeneDx Variant Classification Process June 2021. Collection method: clinical testing. Allele origin: germline. Affected: yes.
Comment: Not observed at significant frequency in large population cohorts (gnomAD); In silico analysis indicates that this missense variant does not alter protein structure/function; Has not been previously published as pathogenic or benign to our knowledge

NM_015271.5(TRIM2):c.662C>A (p.Thr221Asn)

Gene: TRIM2 (tripartite motif containing 2; plus strand). Cytogenetic location: 4q31.3.
Variant type: single nucleotide variant.
Coding change: c.662C>A on transcript NM_015271.5 (MANE Select); coding-DNA position 662, C replaced by A.
Protein change: p.Thr221Asn; replaces threonine 221 with asparagine.
Molecular consequence: missense variant. On other transcripts: intron variant (2).
Genome position (GRCh38, 1-based): chr4:153,294,361, C>A. VCF-style: chr4-153294361-C-A. GRCh37 (hg19) VCF-style: chr4-154215513-C-A.
Other names: c.581C>A, p.Thr194Asn (NM_001130067.2, NM_001351056.2, NM_001375512.1 and 5 more transcripts); c.635C>A, p.Thr212Asn (NM_001351054.2); c.632C>A, p.Thr211Asn (NM_001351055.2); c.206C>A, p.Thr69Asn (NM_001351057.2); c.755C>A, p.Thr252Asn (NM_001375488.1); c.752C>A, p.Thr251Asn (NM_001375489.1); c.662C>A, p.Thr221Asn (NM_001375490.1); c.659C>A, p.Thr220Asn (NM_001375491.1); and 3 more; short protein forms T108N, T194N, T211N, T212N, T220N, T221N, T251N, T252N.
Identifiers: ClinVar variation 3392679 (VCV003392679.1).